The following is an entry in ClinVar:

ClinVar aggregate classification (germline): Conflicting classifications of pathogenicity. Review status: criteria provided, conflicting classifications (1 of 4 stars). 5 submissions from 5 submitters: Uncertain significance (3); Benign (1); Likely benign (1). Last evaluated 2025-09-17.

Conditions:
Hereditary spastic paraplegia 30. Identifiers: Orphanet 101010, MedGen C5235139, MONDO:0012476.
Neuropathy, hereditary sensory, type 2C. Also called: Hereditary sensory and autonomic neuropathy type IIC; KIF1A-Related HSAN2 (HSAN2C). Identifiers: Orphanet 970, MedGen C3280168, MONDO:0013634, OMIM 614213.
Intellectual disability, autosomal dominant 9 (NESCAVS). Also called: NESCAV SYNDROME; KIF1A-Related Neurodevelopmental Disorder. Identifiers: Orphanet 662367, MedGen C5393830, MONDO:0013656, OMIM 614255.

Allele frequency attached by ClinVar (database versions not stated): TOPMed below 0.00001; gnomAD exomes 0.00002; gnomAD 0.00004.
gnomAD v4.1: 26 of 1,612,082 alleles (0.0016%); highest among the groups gnomAD compares: Non-Finnish European, 0.002%; no homozygotes.

Submissions (5):

Labcorp Genetics (formerly Invitae), Labcorp
Classification: Likely benign for Hereditary spastic paraplegia 30; Neuropathy, hereditary sensory, type 2C; Intellectual disability, autosomal dominant 9. Last evaluated: 2025-09-17. Review status: criteria provided, single submitter. Criteria: Invitae Variant Classification Sherloc (09022015). Collection method: clinical testing. Allele origin: germline.

CeGaT Center for Human Genetics Tuebingen
Classification: Uncertain significance. Last evaluated: 2025-05-01. Review status: criteria provided, single submitter. Criteria: CeGaT Center For Human Genetics Tuebingen Variant Classification Criteria Version 2. Collection method: clinical testing. Allele origin: germline. Affected: yes. Observed: 1 variant allele.
Comment: KIF1A: PM2, BP4

Laboratory of Genetics, Children's Clinical University Hospital Latvia
Classification: Benign. Last evaluated: 2025-02-16. Review status: criteria provided, single submitter. Criteria: ACMG Guidelines, 2015. Collection method: clinical testing. Allele origin: germline. Affected: yes.

GeneDx
Classification: Uncertain significance. Last evaluated: 2023-06-22. Review status: criteria provided, single submitter. Criteria: GeneDx Variant Classification Process June 2021. Collection method: clinical testing. Allele origin: germline. Affected: yes.
Comment: In silico analysis supports that this missense variant has a deleterious effect on protein structure/function; Has not been previously published as pathogenic or benign to our knowledge

Blueprint Genetics
Classification: Uncertain significance. Last evaluated: 2022-11-25. Review status: criteria provided, single submitter. Criteria: ACMG Guidelines, 2015. Collection method: clinical testing. Allele origin: germline.

NM_001244008.2(KIF1A):c.3254A>G (p.Asp1085Gly)

Gene: KIF1A (kinesin family member 1A; minus strand). Cytogenetic location: 2q37.3.
Variant type: single nucleotide variant.
Coding change: c.3254A>G on transcript NM_001244008.2 (MANE Select); coding-DNA position 3254, A replaced by G.
Protein change: p.Asp1085Gly; replaces aspartic acid 1085 with glycine.
Molecular consequence: missense variant.
Genome position (GRCh38, 1-based): chr2:240,745,858, T>C on the plus strand (A>G on the coding strand, the complement: KIF1A is on the minus strand). VCF-style: chr2-240745858-T-C. GRCh37 (hg19) VCF-style: chr2-241685275-T-C.
Other names: c.2978A>G, p.Asp993Gly (NM_001320705.2, NM_001330289.2, NM_001379638.1); c.3053A>G, p.Asp1018Gly (NM_001330290.2, NM_001379634.1, NM_001379635.1 and 1 more transcripts); c.3329A>G, p.Asp1110Gly (NM_001379631.1); c.3203A>G, p.Asp1068Gly (NM_001379632.1); c.3227A>G, p.Asp1076Gly (NM_001379633.1, NM_001379642.1, NM_001379645.1); c.2951A>G, p.Asp984Gly (NM_001379636.1, NM_001379639.1, NM_001379641.1 and 5 more transcripts); c.3026A>G, p.Asp1009Gly (NM_001379637.1, NM_001379648.1); c.2948A>G, p.Asp983Gly (NM_001379640.1); short protein forms D1085G, D1018G, D993G, D984G, D1009G, D1110G, D1068G, D1076G.
Identifiers: ClinVar variation 862853 (VCV000862853.21), dbSNP rs550429072, ClinGen allele CA68157158.